The following is an entry in ClinVar:

NM_000051.4(ATM):c.7286A>G (p.Glu2429Gly)

Genes: ATM (ATM serine/threonine kinase; plus strand), C11orf65 (chromosome 11 open reading frame 65; minus strand). Cytogenetic location: 11q22.3.
Variant type: single nucleotide variant.
Coding change: c.7286A>G on transcript NM_000051.4 (MANE Select); coding-DNA position 7286, A replaced by G.
Protein change: p.Glu2429Gly; replaces glutamic acid 2429 with glycine.
Molecular consequence: missense variant. On other transcripts: intron variant (2).
Genome position (GRCh38, 1-based): chr11:108,329,217, A>G. VCF-style: chr11-108329217-A-G. GRCh37 (hg19) VCF-style: chr11-108199944-A-G.
Other names: c.7286A>G, p.Glu2429Gly (NM_001351834.2); c.641-20146T>C (NM_001330368.2); c.*38+6003T>C (NM_001351110.2); short protein forms E2429G.
Identifiers: ClinVar variation 4841345 (VCV004841345.1).
Genomic context (GRCh38, chr11:108,329,217, plus strand): 5'-AATTTGAAAACAAGCAAGCTCTCCTGAAAAGAGCCAAAGAGGAAGTAGGTCTCCTTAGGG[A>G]ACATAAAATTCAGACAAACAGGTAACTAGGTTTCTACAAGTGACAATTTTATGTTCACCA-3'
Protein context (NP_000042.3, residues 2419-2439): RAKEEVGLLR[Glu2429Gly]HKIQTNRYTV

ClinVar aggregate classification (germline): Uncertain significance (1 of 4 stars; one submission).

Conditions:
Hereditary cancer-predisposing syndrome. Also called: Tumor predisposition; Hereditary neoplastic syndrome; Hereditary Cancer Syndrome; Neoplastic Syndromes, Hereditary. Identifiers: Orphanet 140162, MedGen C0027672, MeSH D009386, MONDO:0015356.

Submission:

Ambry Genetics
Classification: Uncertain significance for Hereditary cancer-predisposing syndrome. Last evaluated: 2026-01-02. Review status: criteria provided, single submitter. Criteria: Ambry Variant Classification Scheme 2023. Collection method: clinical testing. Allele origin: germline.
Comment: The p.E2429G variant (also known as c.7286A>G), located in coding exon 48 of the ATM gene, results from an A to G substitution at nucleotide position 7286. The glutamic acid at codon 2429 is replaced by glycine, an amino acid with similar properties. In an assay testing ATM function, this variant showed a functionally indeterminant result (Lee KS et al. Cell, 2025 Sep;188:5081-5099.e27). This amino acid position is well conserved in available vertebrate species. In addition, this alteration is predicted to be tolerated by in silico analysis. Based on the available evidence, the clinical significance of this variant remains unclear.

Literature cited by the submitters: PubMed 40580951.